The following is an entry in ClinVar:

NM_001792.5(CDH2):c.874A>G (p.Ile292Val)

Gene: CDH2 (cadherin 2; minus strand). Cytogenetic location: 18q12.1.
Variant type: single nucleotide variant.
Coding change: c.874A>G on transcript NM_001792.5 (MANE Select); coding-DNA position 874, A replaced by G.
Protein change: p.Ile292Val; replaces isoleucine 292 with valine.
Molecular consequence: missense variant.
Genome position (GRCh38, 1-based): chr18:28,003,143, T>C on the plus strand (A>G on the coding strand, the complement: CDH2 is on the minus strand). VCF-style: chr18-28003143-T-C. GRCh37 (hg19) VCF-style: chr18-25583107-T-C.
Other names: c.874A>G (NM_001792.3); c.781A>G, p.Ile261Val (NM_001308176.2); short protein forms I261V, I292V.
Identifiers: ClinVar variation 2084940 (VCV002084940.5), dbSNP rs958752112, ClinGen allele CA297917255.

ClinVar aggregate classification (germline): Uncertain significance. Review status: criteria provided, multiple submitters, no conflicts (2 of 4 stars). 2 submissions from 2 submitters: Uncertain significance (2). Last evaluated 2025-04-07.

Conditions:
Inborn genetic diseases. Identifiers: MedGen C0950123, MeSH D030342.

Allele frequency attached by ClinVar (database versions not stated): gnomAD exomes below 0.00001; gnomAD 0.00001; TOPMed 0.00001.
gnomAD v4.1: 2 of 1,613,890 alleles (0.00012%); highest among the groups gnomAD compares: African/African-American, 0.0027%; no homozygotes.

Submissions (2):

Labcorp Genetics (formerly Invitae), Labcorp
Classification: Uncertain significance. Last evaluated: 2025-04-07. Review status: criteria provided, single submitter. Criteria: Invitae Variant Classification Sherloc (09022015). Collection method: clinical testing. Allele origin: germline.
Comment: This sequence change replaces isoleucine, which is neutral and non-polar, with valine, which is neutral and non-polar, at codon 292 of the CDH2 protein (p.Ile292Val). This variant is not present in population databases (gnomAD no frequency). This variant has not been reported in the literature in individuals affected with CDH2-related conditions. ClinVar contains an entry for this variant (Variation ID: 2084940). An algorithm developed to predict the effect of missense changes on protein structure and function (PolyPhen-2) suggests that this variant is likely to be tolerated. In summary, the available evidence is currently insufficient to determine the role of this variant in disease. Therefore, it has been classified as a Variant of Uncertain Significance.

Ambry Genetics
Classification: Uncertain significance for Inborn genetic diseases. Last evaluated: 2024-01-16. Review status: criteria provided, single submitter. Criteria: Ambry Variant Classification Scheme 2023. Collection method: clinical testing. Allele origin: germline.
Comment: The p.I292V variant (also known as c.874A>G), located in coding exon 7 of the CDH2 gene, results from an A to G substitution at nucleotide position 874. The isoleucine at codon 292 is replaced by valine, an amino acid with highly similar properties. This amino acid position is conserved. In addition, this alteration is predicted to be tolerated by in silico analysis. Since supporting evidence is limited at this time, the clinical significance of this alteration remains unclear.